The following is an entry in ClinVar:

NM_182961.4(SYNE1):c.7458A>G (p.Gln2486=)

Gene: SYNE1 (spectrin repeat containing nuclear envelope protein 1; minus strand). Cytogenetic location: 6q25.2.
Variant type: single nucleotide variant.
Coding change: c.7458A>G on transcript NM_182961.4 (MANE Select); coding-DNA position 7458, A replaced by G.
Protein change: p.Gln2486=; no amino-acid change (glutamine 2486 retained).
Molecular consequence: synonymous variant.
Genome position (GRCh38, 1-based): chr6:152,396,873, T>C on the plus strand (A>G on the coding strand, the complement: SYNE1 is on the minus strand). VCF-style: chr6-152396873-T-C. GRCh37 (hg19) VCF-style: chr6-152718008-T-C.
Other names: c.7479A>G, p.Gln2493= (NM_033071.5).
Identifiers: ClinVar variation 283676 (VCV000283676.62), dbSNP rs139070088, ClinGen allele CA4057817.

ClinVar aggregate classification (germline): Conflicting classifications of pathogenicity. Review status: criteria provided, conflicting classifications (1 of 4 stars). 7 submissions from 6 submitters: Uncertain significance (2); Benign (2); Likely benign (3). Last evaluated 2026-09-01.

Conditions:
Autosomal recessive ataxia, Beauce type. Also called: ATAXIA, RECESSIVE, OF BEAUCE; SYNE1-Related Autosomal Recessive Cerebellar Ataxia; Spinocerebellar ataxia, autosomal recessive 8; SYNE1 Deficiency. Identifiers: Orphanet 88644, MedGen C1853116, MONDO:0012549, OMIM 610743.
Emery-Dreifuss muscular dystrophy 4, autosomal dominant (EDMD4). Also called: EMERY-DREIFUSS MUSCULAR DYSTROPHY 4 WITH VARIABLE FEATURES. Identifiers: Orphanet 261, MedGen C2751807, MONDO:0013071, OMIM 612998.

Allele frequency attached by ClinVar (database versions not stated): 1000 Genomes Project 30x 0.00016; 1000 Genomes Project 0.00020; ESP Exome Variant Server 0.00038; ExAC 0.00052; gnomAD 0.00052 and 0.00056; TOPMed 0.00058; gnomAD exomes 0.00059 and 0.00083.
gnomAD v4.1: 1,278 of 1,614,236 alleles (0.079%); highest among the groups gnomAD compares: Non-Finnish European, 0.098%; no homozygotes.

Submissions (7):

CeGaT Center for Human Genetics Tuebingen
Classification: Likely benign. Last evaluated: 2026-09-01. Review status: criteria provided, single submitter. Criteria: CeGaT Center For Human Genetics Tuebingen Variant Classification Criteria Version 2. Collection method: clinical testing. Allele origin: germline. Affected: yes. Observed: 2 variant alleles.
Comment: SYNE1: BP4

Labcorp Genetics (formerly Invitae), Labcorp
Classification: Likely benign for Emery-Dreifuss muscular dystrophy 4, autosomal dominant; Autosomal recessive ataxia, Beauce type. Last evaluated: 2026-01-20. Review status: criteria provided, single submitter. Criteria: Invitae Variant Classification Sherloc (09022015). Collection method: clinical testing. Allele origin: germline.

Athena Diagnostics
Classification: Benign. Last evaluated: 2024-05-10. Review status: criteria provided, single submitter. Criteria: Athena Diagnostics Criteria. Collection method: clinical testing. Allele origin: unknown.

GeneDx
Classification: Likely benign. Last evaluated: 2019-10-21. Review status: criteria provided, single submitter. Criteria: GeneDx Variant Classification Process June 2021. Collection method: clinical testing. Allele origin: germline. Affected: yes.

Illumina Laboratory Services, Illumina
Classification: Benign for Emery-Dreifuss muscular dystrophy 4, autosomal dominant. Last evaluated: 2018-01-13. Review status: criteria provided, single submitter. Criteria: ICSL Variant Classification Criteria 13 December 2019. Collection method: clinical testing. Allele origin: germline.
Comment: This variant was observed in the ICSL laboratory as part of a predisposition screen in an ostensibly healthy population. It had not been previously curated by ICSL or reported in the Human Gene Mutation Database (HGMD: prior to June 1st, 2018), and was therefore a candidate for classification through an automated scoring system. Utilizing variant allele frequency, disease prevalence and penetrance estimates, and inheritance mode, an automated score was calculated to assess if this variant is too frequent to cause the disease. Based on the score and internal cut-off values, a variant classified as benign is not then subjected to further curation. The score for this variant resulted in a classification of benign for this disease.

Illumina Laboratory Services, Illumina
Classification: Uncertain significance for Autosomal recessive ataxia, Beauce type. Last evaluated: 2018-01-13. Review status: criteria provided, single submitter. Criteria: ICSL Variant Classification Criteria 13 December 2019. Collection method: clinical testing. Allele origin: germline.

Eurofins Ntd Llc (ga)
Classification: Uncertain significance. Last evaluated: 2017-09-08. Review status: criteria provided, single submitter. Criteria: EGL Classification Definitions 2015. Collection method: clinical testing. Allele origin: germline. Observed: 6 variant alleles, 6 heterozygotes.